The following is an entry in ClinVar:

ClinVar aggregate classification (germline): Uncertain significance (1 of 4 stars; one submission).

Conditions:
Pyruvate kinase deficiency of red cells (CNSHA2). Also called: Pyruvate kinase deficiency, Amish type; PK DEFICIENCY; PYRUVATE KINASE DEFICIENCY OF ERYTHROCYTE. Identifiers: Orphanet 766, MedGen C0340968, MONDO:0009950, OMIM 266200.

Submission:

3billion
Classification: Uncertain significance for Pyruvate kinase deficiency of red cells. Last evaluated: 2022-05-22. Review status: criteria provided, single submitter. Criteria: ACMG Guidelines, 2015. Collection method: clinical testing. Allele origin: germline. Affected: yes. Observed: 1 heterozygote.
Comment: The variant is not observed in the gnomAD v2.1.1 dataset. Missense changes are a common disease-causing mechanism. In silico tool predictions suggest damaging effect of the variant on gene or gene product (REVEL: 0.92; 3Cnet: 0.82). A different missense change at the same codon (p.Glu315Lys) has been reported to be associated with PKLR related disorder (PMID: 9657767). However the evidence of pathogenicity is insufficient at this time. Therefore, this variant is classified as uncertain significanceaccording to the recommendation of ACMG/AMP guideline.

Literature cited by the submitters: PubMed 9657767.

NM_000298.6(PKLR):c.945G>C (p.Glu315Asp)

Gene: PKLR (pyruvate kinase L/R; minus strand). Cytogenetic location: 1q22.
Variant type: single nucleotide variant.
Coding change: c.945G>C on transcript NM_000298.6 (MANE Select); coding-DNA position 945, G replaced by C.
Protein change: p.Glu315Asp; replaces glutamic acid 315 with aspartic acid.
Molecular consequence: missense variant.
Genome position (GRCh38, 1-based): chr1:155,294,502, C>G on the plus strand (G>C on the coding strand, the complement: PKLR is on the minus strand). VCF-style: chr1-155294502-C-G. GRCh37 (hg19) VCF-style: chr1-155264293-C-G.
Other names: c.852G>C, p.Glu284Asp (NM_181871.4); short protein forms E284D, E315D.
Identifiers: ClinVar variation 1687598 (VCV001687598.1), dbSNP rs2148204818, ClinGen allele CA342753741.